The following is an entry in ClinVar:

ClinVar aggregate classification (germline): Uncertain significance (1 of 4 stars; one submission).

Conditions:
Fanconi anemia (FA). Also called: Fanconi's anemia. Identifiers: Orphanet 84, MedGen C0015625, MeSH D005199, MONDO:0019391.

Allele frequency attached by ClinVar (database versions not stated): gnomAD exomes below 0.00001.
gnomAD v4.1: 5 of 1,613,660 alleles (0.00031%); highest among the groups gnomAD compares: Non-Finnish European, 0.00042%; no homozygotes.

Submission:

Labcorp Genetics (formerly Invitae), Labcorp
Classification: Uncertain significance for Fanconi anemia. Last evaluated: 2022-12-19. Review status: criteria provided, single submitter. Criteria: Invitae Variant Classification Sherloc (09022015). Collection method: clinical testing. Allele origin: germline.
Comment: This variant is present in population databases (no rsID available, gnomAD 0.0009%). This variant has not been reported in the literature in individuals affected with SLX4-related conditions. Algorithms developed to predict the effect of missense changes on protein structure and function output the following: SIFT: "Tolerated"; PolyPhen-2: "Benign"; Align-GVGD: "Class C0". The arginine amino acid residue is found in multiple mammalian species, which suggests that this missense change does not adversely affect protein function. In summary, the available evidence is currently insufficient to determine the role of this variant in disease. Therefore, it has been classified as a Variant of Uncertain Significance. This sequence change replaces glutamine, which is neutral and polar, with arginine, which is basic and polar, at codon 1289 of the SLX4 protein (p.Gln1289Arg).

NM_032444.4(SLX4):c.3866A>G (p.Gln1289Arg)

Gene: SLX4 (SLX4 structure-specific endonuclease subunit; minus strand). Cytogenetic location: 16p13.3.
Variant type: single nucleotide variant.
Coding change: c.3866A>G on transcript NM_032444.4 (MANE Select); coding-DNA position 3866, A replaced by G.
Protein change: p.Gln1289Arg; replaces glutamine 1289 with arginine.
Molecular consequence: missense variant.
Genome position (GRCh38, 1-based): chr16:3,589,772, T>C on the plus strand (A>G on the coding strand, the complement: SLX4 is on the minus strand). VCF-style: chr16-3589772-T-C. GRCh37 (hg19) VCF-style: chr16-3639773-T-C.
Other names: short protein forms Q1289R.
Identifiers: ClinVar variation 2888461 (VCV002888461.3), dbSNP rs1164542119, ClinGen allele CA394519073.